The following is an entry in ClinVar:

ClinVar aggregate classification (germline): Uncertain significance (1 of 4 stars; one submission).

Conditions:
Cyclical neutropenia. Also called: Cyclic hematopoiesis; Cyclic Neutropenia. Identifiers: Orphanet 2686, MedGen C0221023, MONDO:0008090, OMIM 162800, HP:0040289. Disease mechanism: loss of function.
Neutropenia, severe congenital, 1, autosomal dominant. Identifiers: MedGen C1859966, MONDO:0042490, OMIM 202700.

Submission:

Labcorp Genetics (formerly Invitae), Labcorp
Classification: Uncertain significance for Neutropenia, severe congenital, 1, autosomal dominant; Cyclical neutropenia. Last evaluated: 2023-04-26. Review status: criteria provided, single submitter. Criteria: Invitae Variant Classification Sherloc (09022015). Collection method: clinical testing. Allele origin: unknown.
Comment: In summary, the available evidence is currently insufficient to determine the role of this variant in disease. Therefore, it has been classified as a Variant of Uncertain Significance. This variant has not been reported in the literature in individuals affected with ELANE-related conditions. This variant is a gross deletion of the genomic region encompassing exon(s) 1-3 of the ELANE gene, which includes the initiator codon. This deletion extends beyond the assayed region for this gene and therefore may encompass additional genes. It is expected to result in an absent or disrupted protein product. However, the current clinical and genetic evidence is not sufficient to establish whether loss-of-function variants in ELANE cause disease.

NC_000019.9:g.(?_852329)_(853423_?)del

Gene: ELANE (elastase, neutrophil expressed; plus strand). Cytogenetic location: 19p13.3.
Variant type: Deletion.
Identifiers: ClinVar variation 3248448 (VCV003248448.1).